The following is an entry in ClinVar:

ClinVar aggregate classification (germline): Conflicting classifications of pathogenicity. Review status: criteria provided, conflicting classifications (1 of 4 stars). 3 submissions from 3 submitters: Uncertain significance (2); Likely benign (1). Last evaluated 2024-06-11.

Conditions:
Inborn genetic diseases. Identifiers: MedGen C0950123, MeSH D030342.
Retinal dystrophy. Also called: Inherited retinal dystrophy. Identifiers: Orphanet 71862, MedGen C0854723, MeSH D058499, MONDO:0019118, HP:0000556.

Allele frequency attached by ClinVar (database versions not stated): ExAC 0.00001; gnomAD 0.00001; gnomAD exomes 0.00008; 1000 Genomes Project 30x 0.00016; 1000 Genomes Project 0.00020.
gnomAD v4.1: 48 of 1,614,002 alleles (0.003%); highest among the groups gnomAD compares: East Asian, 0.11%; no homozygotes.

Submissions (3):

Ambry Genetics
Classification: Uncertain significance for Inborn genetic diseases. Last evaluated: 2024-06-11. Review status: criteria provided, single submitter. Criteria: Ambry Variant Classification Scheme 2023. Collection method: clinical testing. Allele origin: germline.

Dept Of Ophthalmology, Nagoya University
Classification: Likely benign for Retinal dystrophy. Last evaluated: 2023-10-01. Review status: criteria provided, single submitter. Criteria: Submitter's publication. Collection method: research. Allele origin: germline. Affected: yes.

Labcorp Genetics (formerly Invitae), Labcorp
Classification: Uncertain significance. Last evaluated: 2022-07-15. Review status: criteria provided, single submitter. Criteria: Invitae Variant Classification Sherloc (09022015). Collection method: clinical testing. Allele origin: germline.
Comment: This variant is present in population databases (rs201537299, gnomAD 0.006%). This sequence change replaces lysine, which is basic and polar, with arginine, which is basic and polar, at codon 52 of the EMC1 protein (p.Lys52Arg). This variant has not been reported in the literature in individuals affected with EMC1-related conditions. In summary, the available evidence is currently insufficient to determine the role of this variant in disease. Therefore, it has been classified as a Variant of Uncertain Significance. Algorithms developed to predict the effect of missense changes on protein structure and function are either unavailable or do not agree on the potential impact of this missense change (SIFT: "Tolerated"; PolyPhen-2: "Possibly Damaging"; Align-GVGD: "Class C0").

NM_015047.3(EMC1):c.155A>G (p.Lys52Arg)

Gene: EMC1 (ER membrane protein complex subunit 1; minus strand). Cytogenetic location: 1p36.13.
Variant type: single nucleotide variant.
Coding change: c.155A>G on transcript NM_015047.3 (MANE Select); coding-DNA position 155, A replaced by G.
Protein change: p.Lys52Arg; replaces lysine 52 with arginine.
Molecular consequence: missense variant.
Genome position (GRCh38, 1-based): chr1:19,244,971, T>C on the plus strand (A>G on the coding strand, the complement: EMC1 is on the minus strand). VCF-style: chr1-19244971-T-C. GRCh37 (hg19) VCF-style: chr1-19571465-T-C.
Other names: c.155A>G, p.Lys52Arg (NM_001271427.2, NM_001271428.2, NM_001271429.2 and 2 more transcripts); c.155A>G (NM_015047.1); short protein forms K52R.
Identifiers: ClinVar variation 2102121 (VCV002102121.6), dbSNP rs201537299, ClinGen allele CA653039.